The following is an entry in ClinVar:

NM_000124.4(ERCC6):c.1540G>C (p.Gly514Arg)

Gene: ERCC6 (ERCC excision repair 6, chromatin remodeling factor; minus strand). Cytogenetic location: 10q11.23.
Variant type: single nucleotide variant.
Coding change: c.1540G>C on transcript NM_000124.4 (MANE Select); coding-DNA position 1540, G replaced by C.
Protein change: p.Gly514Arg; replaces glycine 514 with arginine.
Molecular consequence: missense variant.
Genome position (GRCh38, 1-based): chr10:49,500,683, C>G on the plus strand (G>C on the coding strand, the complement: ERCC6 is on the minus strand). VCF-style: chr10-49500683-C-G. GRCh37 (hg19) VCF-style: chr10-50708729-C-G.
Other names: c.1540G>C, p.Gly514Arg (NM_001346440.2); short protein forms G514R.
Identifiers: ClinVar variation 1462012 (VCV001462012.6), dbSNP rs2132575250, ClinGen allele CA376729211.

ClinVar aggregate classification (germline): Uncertain significance (1 of 4 stars; one submission).

Submission:

Labcorp Genetics (formerly Invitae), Labcorp
Classification: Uncertain significance. Last evaluated: 2022-02-17. Review status: criteria provided, single submitter. Criteria: Invitae Variant Classification Sherloc (09022015). Collection method: clinical testing. Allele origin: germline.
Comment: In summary, the available evidence is currently insufficient to determine the role of this variant in disease. Therefore, it has been classified as a Variant of Uncertain Significance. Advanced modeling of protein sequence and biophysical properties (such as structural, functional, and spatial information, amino acid conservation, physicochemical variation, residue mobility, and thermodynamic stability) performed at Invitae indicates that this missense variant is expected to disrupt ERCC6 protein function. This sequence change replaces glycine, which is neutral and non-polar, with arginine, which is basic and polar, at codon 514 of the ERCC6 protein (p.Gly514Arg). This variant is not present in population databases (gnomAD no frequency). This variant has not been reported in the literature in individuals affected with ERCC6-related conditions.